The following is an entry in ClinVar:

NM_021072.4(HCN1):c.1361A>T (p.Asn454Ile)

Gene: HCN1 (hyperpolarization activated cyclic nucleotide gated potassium channel 1; minus strand). Cytogenetic location: 5p12.
Variant type: single nucleotide variant.
Coding change: c.1361A>T on transcript NM_021072.4 (MANE Select); coding-DNA position 1361, A replaced by T.
Protein change: p.Asn454Ile; replaces asparagine 454 with isoleucine.
Molecular consequence: missense variant.
Genome position (GRCh38, 1-based): chr5:45,353,116, T>A on the plus strand (A>T on the coding strand, the complement: HCN1 is on the minus strand). VCF-style: chr5-45353116-T-A. GRCh37 (hg19) VCF-style: chr5-45353218-T-A.
Other names: short protein forms N454I.
Identifiers: ClinVar variation 4976104 (VCV004976104.1).

ClinVar aggregate classification (germline): Uncertain significance (1 of 4 stars; one submission).

Submission:

GeneDx
Classification: Uncertain significance. Last evaluated: 2026-02-18. Review status: criteria provided, single submitter. Criteria: GeneDx Variant Classification Process June 2021. Collection method: clinical testing. Allele origin: germline.
Comment: Not observed at significant frequency in large population cohorts (gnomAD); In silico analysis supports that this missense variant has a deleterious effect on protein structure/function; Has not been previously published as pathogenic or benign to our knowledge